The following is an entry in ClinVar:

NM_015506.3(MMACHC):c.503G>A (p.Gly168Glu)

Gene: MMACHC (metabolism of cobalamin associated C; plus strand). Cytogenetic location: 1p34.1.
Variant type: single nucleotide variant.
Coding change: c.503G>A on transcript NM_015506.3 (MANE Select); coding-DNA position 503, G replaced by A.
Protein change: p.Gly168Glu; replaces glycine 168 with glutamic acid.
Molecular consequence: missense variant.
Genome position (GRCh38, 1-based): chr1:45,508,869, G>A. VCF-style: chr1-45508869-G-A. GRCh37 (hg19) VCF-style: chr1-45974541-G-A.
Other names: c.332G>A, p.Gly111Glu (NM_001330540.2); short protein forms G111E, G168E.
Identifiers: ClinVar variation 2167371 (VCV002167371.2), dbSNP rs1324791452, ClinGen allele CA340133224.

ClinVar aggregate classification (germline): Uncertain significance. Review status: criteria provided, multiple submitters, no conflicts (2 of 4 stars). 2 submissions from 2 submitters: Uncertain significance (2). Last evaluated 2024-02-09.

Conditions:
Cobalamin C disease. Also called: Methylmalonic aciduria with homocystinuria cblC type; Cobalamin-C methylmalonic acidemia and homocystinuria; Methylmalonic acidemia and homocystinuria cblC type; Methylmalonic aciduria and homocystinuria, Vitamin B12-responsive; Vitamin B12 metabolic defect with combined deficiency of methylmalonyl-CoA mutase and homocysteine:methyltetrahydrofolate methyltransferase; methylmalonic aciduria and homocystinuria type cblC. Identifiers: Orphanet 26, Orphanet 79282, MedGen C1848561, MONDO:0010184, OMIM 277400.

Allele frequency attached by ClinVar (database versions not stated): gnomAD 0.00001; TOPMed 0.00001.

Submissions (2):

Fulgent Genetics
Classification: Uncertain significance for Cobalamin C disease. Last evaluated: 2024-02-09. Review status: criteria provided, single submitter. Criteria: ACMG Guidelines, 2015. Collection method: clinical testing. Allele origin: germline.

Labcorp Genetics (formerly Invitae), Labcorp
Classification: Uncertain significance for Cobalamin C disease. Last evaluated: 2022-09-26. Review status: criteria provided, single submitter. Criteria: Invitae Variant Classification Sherloc (09022015). Collection method: clinical testing. Allele origin: germline.
Comment: This sequence change replaces glycine, which is neutral and non-polar, with glutamic acid, which is acidic and polar, at codon 168 of the MMACHC protein (p.Gly168Glu). This variant is not present in population databases (gnomAD no frequency). This variant has not been reported in the literature in individuals affected with MMACHC-related conditions. Algorithms developed to predict the effect of missense changes on protein structure and function (SIFT, PolyPhen-2, Align-GVGD) all suggest that this variant is likely to be tolerated. In summary, the available evidence is currently insufficient to determine the role of this variant in disease. Therefore, it has been classified as a Variant of Uncertain Significance.